The following is an entry in ClinVar:

ClinVar aggregate classification (germline): Uncertain significance (1 of 4 stars; one submission).

Allele frequency attached by ClinVar (database versions not stated): gnomAD exomes below 0.00001; TOPMed 0.00001; gnomAD 0.00002.
gnomAD v4.1: 5 of 1,209,272 alleles (0.00041%); highest among the groups gnomAD compares: Admixed American, 0.0022%; no homozygotes.

Submission:

Labcorp Genetics (formerly Invitae), Labcorp
Classification: Uncertain significance. Last evaluated: 2022-06-13. Review status: criteria provided, single submitter. Criteria: Invitae Variant Classification Sherloc (09022015). Collection method: clinical testing. Allele origin: germline.
Comment: This sequence change replaces histidine, which is basic and polar, with tyrosine, which is neutral and polar, at codon 1633 of the COL4A5 protein (p.His1633Tyr). This variant is present in population databases (no rsID available, gnomAD 0.001%), including at least one homozygous and/or hemizygous individual. This variant has not been reported in the literature in individuals affected with COL4A5-related conditions. Advanced modeling of protein sequence and biophysical properties (such as structural, functional, and spatial information, amino acid conservation, physicochemical variation, residue mobility, and thermodynamic stability) performed at Invitae indicates that this missense variant is expected to disrupt COL4A5 protein function. In summary, the available evidence is currently insufficient to determine the role of this variant in disease. Therefore, it has been classified as a Variant of Uncertain Significance.

NM_033380.3(COL4A5):c.4915C>T (p.His1639Tyr)

Gene: COL4A5 (collagen type IV alpha 5 chain; plus strand). Cytogenetic location: Xq22.3.
Variant type: single nucleotide variant.
Coding change: c.4915C>T on transcript NM_033380.3 (MANE Select); coding-DNA position 4915, C replaced by T.
Protein change: p.His1639Tyr; replaces histidine 1639 with tyrosine.
Molecular consequence: missense variant.
Genome position (GRCh38, 1-based): chrX:108,695,360, C>T. VCF-style: chrX-108695360-C-T. GRCh37 (hg19) VCF-style: chrX-107938590-C-T.
Other names: c.4897C>T, p.His1633Tyr (NM_000495.5); short protein forms H1633Y, H1639Y.
Identifiers: ClinVar variation 1929356 (VCV001929356.2), dbSNP rs1242431699, ClinGen allele CA414132838.